The following is an entry in ClinVar:

NM_000784.4(CYP27A1):c.1436G>T (p.Arg479Leu)

Gene: CYP27A1 (cytochrome P450 family 27 subfamily A member 1; plus strand). Cytogenetic location: 2q35.
Variant type: single nucleotide variant.
Coding change: c.1436G>T on transcript NM_000784.4 (MANE Select); coding-DNA position 1436, G replaced by T.
Protein change: p.Arg479Leu; replaces arginine 479 with leucine.
Molecular consequence: missense variant.
Genome position (GRCh38, 1-based): chr2:218,814,717, G>T. VCF-style: chr2-218814717-G-T. GRCh37 (hg19) VCF-style: chr2-219679440-G-T.
Other names: short protein forms R479L.
Identifiers: ClinVar variation 1479233 (VCV001479233.6), dbSNP rs199638075, ClinGen allele CA2112897.
Genomic context (GRCh38, chr2:218,814,717, plus strand): 5'-GGATCCAGCACCCATTTGGCTCTGTGCCCTTTGGCTATGGGGTCCGGGCCTGCCTGGGCC[G>T]CAGGATTGCAGAGCTGGAGATGCAGCTACTCCTCGCAAGGGTGAGCTGGGAGAGGCTAGT-3'
Protein context (NP_000775.1, residues 469-489): FGYGVRACLG[Arg479Leu]RIAELEMQLL

ClinVar aggregate classification (germline): Conflicting classifications of pathogenicity. Review status: criteria provided, conflicting classifications (1 of 4 stars). 2 submissions from 2 submitters: Likely pathogenic (1); Uncertain significance (1). Last evaluated 2026-01-30.

Conditions:
Cholestanol storage disease (CTX). Also called: Cerebrotendinous Xanthomatosis; CTX: Cerebrotendinous xanthomatosis; CEREBRAL CHOLESTERINOSIS. Identifiers: Orphanet 909, MedGen C0238052, MONDO:0008948, OMIM 213700.

gnomAD v4.1: 29 of 1,614,044 alleles (0.0018%); highest among the groups gnomAD compares: African/African-American, 0.0027%; no homozygotes.

Submissions (2):

Myriad Genetics, Inc.
Classification: Uncertain significance for Cholestanol storage disease. Last evaluated: 2026-01-30. Review status: criteria provided, single submitter. Criteria: Myriad Autosomal Dominant, Autosomal Recessive and X-Linked Classification Criteria (2023). Collection method: clinical testing. Allele origin: unknown.
Comment: NM_000784.3(CYP27A1):c.1436G>T(R479L) is a missense variant classified as a variant of uncertain significance in the context of cerebrotendinous xanthomatosis. R479L has not been observed in cases with relevant disease. Relevant functional assessments of this variant are not available in the literature. R479L has been observed in referenced population frequency databases. In summary, there is insufficient evidence to classify NM_000784.3(CYP27A1):c.1436G>T(R479L) as pathogenic or benign. Please note: this variant was assessed in the context of healthy population screening.

Labcorp Genetics (formerly Invitae), Labcorp
Classification: Likely pathogenic for Cholestanol storage disease. Last evaluated: 2023-07-12. Review status: criteria provided, single submitter. Criteria: Invitae Variant Classification Sherloc (09022015). Collection method: clinical testing. Allele origin: germline.
Comment: Advanced modeling of protein sequence and biophysical properties (such as structural, functional, and spatial information, amino acid conservation, physicochemical variation, residue mobility, and thermodynamic stability) has been performed at Invitae for this missense variant, however the output from this modeling did not meet the statistical confidence thresholds required to predict the impact of this variant on CYP27A1 protein function. In summary, the currently available evidence indicates that the variant is pathogenic, but additional data are needed to prove that conclusively. Therefore, this variant has been classified as Likely Pathogenic. This variant disrupts the p.Arg479 amino acid residue in CYP27A1. Other variant(s) that disrupt this residue have been determined to be pathogenic (PMID: 2019602, 21073839, 24584636). This suggests that this residue is clinically significant, and that variants that disrupt this residue are likely to be disease-causing. ClinVar contains an entry for this variant (Variation ID: 1479233). This variant has not been reported in the literature in individuals affected with CYP27A1-related conditions. This variant is present in population databases (rs199638075, gnomAD 0.008%). This sequence change replaces arginine, which is basic and polar, with leucine, which is neutral and non-polar, at codon 479 of the CYP27A1 protein (p.Arg479Leu).

Literature cited by the submitters: PubMed 2019602 (cited by Labcorp Genetics (formerly Invitae), Labcorp); PubMed 21073839 (cited by Labcorp Genetics (formerly Invitae), Labcorp); PubMed 24584636 (cited by Labcorp Genetics (formerly Invitae), Labcorp).